The following is an entry in ClinVar:

NM_017852.5(NLRP2):c.621C>T (p.Tyr207=)

Gene: NLRP2 (NLR family pyrin domain containing 2; plus strand). Cytogenetic location: 19q13.42.
Variant type: single nucleotide variant.
Coding change: c.621C>T on transcript NM_017852.5 (MANE Select); coding-DNA position 621, C replaced by T.
Protein change: p.Tyr207=; no amino-acid change (tyrosine 207 retained).
Molecular consequence: synonymous variant. On other transcripts: non-coding transcript variant (1).
Genome position (GRCh38, 1-based): chr19:54,982,319, C>T. VCF-style: chr19-54982319-C-T. GRCh37 (hg19) VCF-style: chr19-55493687-C-T.
Other names: c.621C>T, p.Tyr207= (NM_001174081.3); c.555C>T, p.Tyr185= (NM_001174082.3); c.552C>T, p.Tyr184= (NM_001174083.2); c.612C>T, p.Tyr204= (NM_001348003.2).
Identifiers: ClinVar variation 3033658 (VCV003033658.3), dbSNP rs139279089, ClinGen allele CA310102768.

ClinVar aggregate classification (germline): Likely benign. Review status: criteria provided, single submitter (1 of 4 stars). 2 submissions from 2 submitters: Likely benign (1). 1 of the submissions does not count toward it. Last evaluated 2024-11-13.

Conditions:
NLRP2-related disorder. Also called: NLRP2-related condition.

Allele frequency attached by ClinVar (database versions not stated): 1000 Genomes Project 30x 0.00031; 1000 Genomes Project 0.00040; ESP Exome Variant Server 0.00077.
gnomAD v4.1: 1,545 of 1,614,144 alleles (0.096%); highest among the groups gnomAD compares: Middle Eastern, 0.23%; 5 homozygotes.

Submissions (2):

Blueprint Genetics
Classification: Likely benign. Last evaluated: 2024-11-13. Review status: criteria provided, single submitter. Criteria: ACMG Guidelines, 2015. Collection method: clinical testing. Allele origin: germline.

PreventionGenetics, part of Exact Sciences
Classification: Likely benign for NLRP2-related condition. Last evaluated: 2019-04-10. Review status: no assertion criteria provided. Collection method: clinical testing. Allele origin: germline. Not counted in ClinVar's aggregate classification.
Comment: This variant is classified as likely benign based on ACMG/AMP sequence variant interpretation guidelines (Richards et al. 2015 PMID: 25741868, with internal and published modifications).